The following is an entry in ClinVar:

NM_015021.3(ZNF292):c.2743G>A (p.Gly915Arg)

Gene: ZNF292 (zinc finger protein 292; plus strand). Cytogenetic location: 6q14.3.
Variant type: single nucleotide variant.
Coding change: c.2743G>A on transcript NM_015021.3 (MANE Select); coding-DNA position 2743, G replaced by A.
Protein change: p.Gly915Arg; replaces glycine 915 with arginine.
Molecular consequence: missense variant.
Genome position (GRCh38, 1-based): chr6:87,256,372, G>A. VCF-style: chr6-87256372-G-A. GRCh37 (hg19) VCF-style: chr6-87966090-G-A.
Other names: c.2323G>A, p.Gly775Arg (NM_001351444.2); short protein forms G775R, G915R.
Identifiers: ClinVar variation 3369554 (VCV003369554.2).

ClinVar aggregate classification (germline): Uncertain significance (1 of 4 stars; one submission).

gnomAD v4.1: 11 of 1,609,978 alleles (0.00068%); highest among the groups gnomAD compares: Non-Finnish European, 0.00093%; no homozygotes.

Submission:

GeneDx
Classification: Uncertain significance. Last evaluated: 2025-11-06. Review status: criteria provided, single submitter. Criteria: GeneDx Variant Classification Process June 2021. Collection method: clinical testing. Allele origin: germline.
Comment: Not observed at significant frequency in large population cohorts (gnomAD); In silico analysis supports that this missense variant does not alter protein structure/function; Has not been previously published as pathogenic or benign to our knowledge